The following is an entry in ClinVar:

NM_002739.5(PRKCG):c.1210G>A (p.Ala404Thr)

Gene: PRKCG (protein kinase C gamma; plus strand). Cytogenetic location: 19q13.42.
Variant type: single nucleotide variant.
Coding change: c.1210G>A on transcript NM_002739.5 (MANE Select); coding-DNA position 1210, G replaced by A.
Protein change: p.Ala404Thr; replaces alanine 404 with threonine.
Molecular consequence: missense variant.
Genome position (GRCh38, 1-based): chr19:53,898,557, G>A. VCF-style: chr19-53898557-G-A. GRCh37 (hg19) VCF-style: chr19-54401811-G-A.
Other names: c.1210G>A, p.Ala404Thr (NM_001316329.2); short protein forms A404T.
Identifiers: ClinVar variation 1028043 (VCV001028043.3), dbSNP rs769292201, ClinGen allele CA407418057.

ClinVar aggregate classification (germline): Uncertain significance. Review status: criteria provided, multiple submitters, no conflicts (2 of 4 stars). 2 submissions from 2 submitters: Uncertain significance (2). Last evaluated 2024-05-22.

Conditions:
Spinocerebellar ataxia type 14 (SCA14). Identifiers: Orphanet 98763, MedGen C1854369, MONDO:0011540, OMIM 605361.

gnomAD v4.1: 3 of 1,612,982 alleles (0.00019%); highest among the groups gnomAD compares: Non-Finnish European, 0.00025%; no homozygotes.

Submissions (2):

3billion
Classification: Uncertain significance for Spinocerebellar ataxia type 14. Last evaluated: 2024-05-22. Review status: criteria provided, single submitter. Criteria: ACMG Guidelines, 2015. Collection method: clinical testing. Allele origin: germline. Affected: yes.
Comment: The variant is observed at an extremely low frequency in the gnomAD v4.0.0 dataset (total allele frequency: <0.001%). Predicted Consequence/Location: Missense changes are a common disease-causing mechanism. In silico tool predictions suggest damaging effect of the variant on gene or gene product [3Cnet: 0.86 (>=0.6, sensitivity 0.72 and precision 0.9)]. Therefore, this variant is classified as VUS according to the recommendation of ACMG/AMP guideline.

Baylor Genetics
Classification: Uncertain significance for Spinocerebellar ataxia type 14. Last evaluated: 2019-03-07. Review status: criteria provided, single submitter. Criteria: ACMG Guidelines, 2015. Collection method: clinical testing. Allele origin: maternal. Affected: yes.
Comment: This variant was determined to be of uncertain significance according to ACMG Guidelines, 2015 [PMID:25741868].